The following is an entry in ClinVar:

ClinVar aggregate classification (germline): Uncertain significance (1 of 4 stars; one submission).

Allele frequency attached by ClinVar (database versions not stated): gnomAD exomes 0.00001; ExAC 0.00005; gnomAD 0.00007; TOPMed 0.00007; ESP Exome Variant Server 0.00008.
gnomAD v4.1: 23 of 1,614,106 alleles (0.0014%); highest among the groups gnomAD compares: African/African-American, 0.015%; no homozygotes.

Submission:

Labcorp Genetics (formerly Invitae), Labcorp
Classification: Uncertain significance. Last evaluated: 2024-04-17. Review status: criteria provided, single submitter. Criteria: Invitae Variant Classification Sherloc (09022015). Collection method: clinical testing. Allele origin: germline.
Comment: This sequence change replaces serine, which is neutral and polar, with leucine, which is neutral and non-polar, at codon 1049 of the DUOX2 protein (p.Ser1049Leu). This variant is present in population databases (rs371611371, gnomAD 0.03%). This variant has not been reported in the literature in individuals affected with DUOX2-related conditions. ClinVar contains an entry for this variant (Variation ID: 1910036). Advanced modeling of protein sequence and biophysical properties (such as structural, functional, and spatial information, amino acid conservation, physicochemical variation, residue mobility, and thermodynamic stability) performed at Invitae indicates that this missense variant is not expected to disrupt DUOX2 protein function with a negative predictive value of 80%. In summary, the available evidence is currently insufficient to determine the role of this variant in disease. Therefore, it has been classified as a Variant of Uncertain Significance.

NM_001363711.2(DUOX2):c.3146C>T (p.Ser1049Leu)

Gene: DUOX2 (dual oxidase 2; minus strand). Cytogenetic location: 15q21.1.
Variant type: single nucleotide variant.
Coding change: c.3146C>T on transcript NM_001363711.2 (MANE Select); coding-DNA position 3146, C replaced by T.
Protein change: p.Ser1049Leu; replaces serine 1049 with leucine.
Molecular consequence: missense variant.
Genome position (GRCh38, 1-based): chr15:45,100,088, G>A on the plus strand (C>T on the coding strand, the complement: DUOX2 is on the minus strand). VCF-style: chr15-45100088-G-A. GRCh37 (hg19) VCF-style: chr15-45392286-G-A.
Other names: c.3146C>T, p.Ser1049Leu (NM_014080.5); short protein forms S1049L.
Identifiers: ClinVar variation 1910036 (VCV001910036.4), dbSNP rs371611371, ClinGen allele CA7537999.